The following is an entry in ClinVar:

ClinVar aggregate classification (germline): Uncertain significance. Review status: criteria provided, multiple submitters, no conflicts (2 of 4 stars). 2 submissions from 2 submitters: Uncertain significance (2). Last evaluated 2025-08-17.

Conditions:
Primary pulmonary hypertension. Also called: Idiopathic pulmonary hypertension. Identifiers: MedGen C0152171.

Allele frequency attached by ClinVar (database versions not stated): TOPMed 0.00001; ExAC 0.00002.
gnomAD v4.1: 15 of 1,614,002 alleles (0.00093%); highest among the groups gnomAD compares: Non-Finnish European, 0.0013%; no homozygotes.

Submissions (2):

Labcorp Genetics (formerly Invitae), Labcorp
Classification: Uncertain significance for Primary pulmonary hypertension. Last evaluated: 2025-08-17. Review status: criteria provided, single submitter. Criteria: Invitae Variant Classification Sherloc (09022015). Collection method: clinical testing. Allele origin: germline.
Comment: This sequence change replaces glutamic acid, which is acidic and polar, with glutamine, which is neutral and polar, at codon 661 of the BMPR2 protein (p.Glu661Gln). This variant is present in population databases (rs759293027, gnomAD 0.002%). This missense change has been observed in individual(s) with pulmonary arterial hypertension (PMID: 30578383). ClinVar contains an entry for this variant (Variation ID: 2921184). Invitae Evidence Modeling of protein sequence and biophysical properties (such as structural, functional, and spatial information, amino acid conservation, physicochemical variation, residue mobility, and thermodynamic stability) has been performed for this missense variant. However, the output from this modeling did not meet the statistical confidence thresholds required to predict the impact of this variant on BMPR2 protein function. In summary, the available evidence is currently insufficient to determine the role of this variant in disease. Therefore, it has been classified as a Variant of Uncertain Significance.

ARUP Laboratories, Molecular Genetics and Genomics, ARUP Laboratories
Classification: Uncertain significance. Last evaluated: 2024-02-02. Review status: criteria provided, single submitter. Criteria: ARUP Molecular Germline Variant Investigation Process 2024. Collection method: clinical testing. Allele origin: germline.
Comment: The BMPR2 c.1981G>C; p.Glu661Gln variant (rs759293027) is reported in the literature in a cohort of individuals with pulmonary hypertension (Eyries 2019). This variant is found in non-Finnish European population with an allele frequency of 0.0026% (3/113,692 alleles) in the Genome Aggregation Database (v2.1.1). Computational analyses are uncertain whether this variant is neutral or deleterious (REVEL: 0.403). Due to limited information, the clinical significance of this variant is uncertain at this time. References: Eyries M et al. Widening the landscape of heritable pulmonary hypertension mutations in paediatric and adult cases. Eur Respir J. 2019 Mar 14;53(3):1801371. PMID: 30578383.

Literature cited by the submitters: PubMed 30578383 (cited by Labcorp Genetics (formerly Invitae), Labcorp).

NM_001204.7(BMPR2):c.1981G>C (p.Glu661Gln)

Gene: BMPR2 (bone morphogenetic protein receptor type 2; plus strand). Cytogenetic location: 2q33.2.
Variant type: single nucleotide variant.
Coding change: c.1981G>C on transcript NM_001204.7 (MANE Select); coding-DNA position 1981, G replaced by C.
Protein change: p.Glu661Gln; replaces glutamic acid 661 with glutamine.
Molecular consequence: missense variant.
Genome position (GRCh38, 1-based): chr2:202,555,646, G>C. VCF-style: chr2-202555646-G-C. GRCh37 (hg19) VCF-style: chr2-203420369-G-C.
Other names: short protein forms E661Q.
Identifiers: ClinVar variation 2921184 (VCV002921184.3), dbSNP rs759293027, ClinGen allele CA2061481.
Genomic context (GRCh38, chr2:202,555,646, plus strand): 5'-CATACCACAAATGTTGCACAGTCAATTGGGCCAACCCCTGTCTGCTTACAGCTGACAGAA[G>C]AAGACTTGGAAACCAACAAGCTAGACCCAAAAGAAGTTGATAAGAACCTCAAGGAAAGCT-3'
Protein context (NP_001195.2, residues 651-671): PTPVCLQLTE[Glu661Gln]DLETNKLDPK